The following is an entry in ClinVar:

NM_000257.4(MYH7):c.4788G>A (p.Ser1596=)

Genes: MHRT (myosin heavy chain associated RNA transcript; plus strand), MYH7 (myosin heavy chain 7; minus strand), LOC126861897 (BRD4-independent group 4 enhancer GRCh37_chr14:23884455-23885654; plus strand). Cytogenetic location: 14q11.2.
Variant type: single nucleotide variant.
Coding change: c.4788G>A on transcript NM_000257.4 (MANE Select); coding-DNA position 4788, G replaced by A.
Protein change: p.Ser1596=; no amino-acid change (serine 1596 retained).
Molecular consequence: synonymous variant. On other transcripts: non-coding transcript variant (1).
Genome position (GRCh38, 1-based): chr14:23,416,169, C>T on the plus strand (G>A on the coding strand, the complement: MYH7 is on the minus strand). VCF-style: chr14-23416169-C-T. GRCh37 (hg19) VCF-style: chr14-23885378-C-T.
Other names: NM_000257.3(MYH7):c.4788G>A.
Identifiers: ClinVar variation 43035 (VCV000043035.39), dbSNP rs146858930, ClinGen allele CA015299.

ClinVar aggregate classification (germline): Benign. Review status: reviewed by expert panel (3 of 4 stars). 20 submissions from 20 submitters: Benign (1). 19 of the submissions do not count toward it. Last evaluated 2025-11-11.

Conditions:
Cardiomyopathy (CMYO). Also called: Cardiomyopathies. Identifiers: Orphanet 167848, MedGen C0878544, MONDO:0004994, HP:0001638. Inheritance: Various modes of inheritance.
Hypertrophic cardiomyopathy. Also called: HYPERTROPHIC MYOCARDIOPATHY. Identifiers: Orphanet 217569, MedGen C0007194, MeSH D002312, MONDO:0005045, HP:0001639.

Allele frequency attached by ClinVar (database versions not stated): 1000 Genomes Project 30x 0.00203; TOPMed 0.00303; ExAC 0.00086; 1000 Genomes Project 0.00220; ESP Exome Variant Server 0.00261; gnomAD 0.00263 and 0.00277.

Submissions (20):

ClinGen Cardiomyopathy Variant Curation Expert Panel
Classification: Benign for Hypertrophic cardiomyopathy. Last evaluated: 2025-11-11. Review status: reviewed by expert panel. Criteria: ClinGen CMP ACMG Specifications MYH7 V2.0.0. Collection method: curation. Allele origin: germline. Inheritance: Autosomal dominant inheritance.
Comment: The filtering allele frequency of the c.4788G>A (p.Ser1596=) variant in the MYH7 gene is 0.74% (92/10406) of African chromosomes by the Exome Aggregation Consortium, which is a high enough frequency to be classified as benign based on thresholds defined by the ClinGen Inherited Cardiomyopathy Expert Panel (BA1; PMID:29300372).

CeGaT Center for Human Genetics Tuebingen
Classification: Likely benign. Last evaluated: 2026-09-01. Review status: criteria provided, single submitter. Criteria: CeGaT Center For Human Genetics Tuebingen Variant Classification Criteria Version 2. Collection method: clinical testing. Allele origin: germline. Affected: yes. Observed: 2 variant alleles. Not counted in ClinVar's aggregate classification.
Comment: MYH7: BP4, BP7

Labcorp Genetics (formerly Invitae), Labcorp
Classification: Benign for Hypertrophic cardiomyopathy. Last evaluated: 2026-02-03. Review status: criteria provided, single submitter. Criteria: Invitae Variant Classification Sherloc (09022015). Collection method: clinical testing. Allele origin: germline. Not counted in ClinVar's aggregate classification.

ARUP Laboratories, Molecular Genetics and Genomics, ARUP Laboratories
Classification: Benign. Last evaluated: 2025-05-20. Review status: criteria provided, single submitter. Criteria: ARUP Molecular Germline Variant Investigation Process 2024. Collection method: clinical testing. Allele origin: germline. Not counted in ClinVar's aggregate classification.

Molecular Diagnostic Laboratory for Inherited Cardiovascular Disease, Montreal Heart Institute
Classification: Benign. Last evaluated: 2025-04-09. Review status: criteria provided, single submitter. Criteria: ACMG Guidelines, 2015. Collection method: clinical testing. Allele origin: germline. Affected: no. Not counted in ClinVar's aggregate classification.

Blueprint Genetics
Classification: Likely benign. Last evaluated: 2024-09-18. Review status: criteria provided, single submitter. Criteria: ACMG Guidelines, 2015. Collection method: clinical testing. Allele origin: germline. Not counted in ClinVar's aggregate classification.

Cohesion Phenomics
Classification: Benign for Hypertrophic Cardiomyopathy. Last evaluated: 2022-09-27. Review status: criteria provided, single submitter. Criteria: ACMG Guidelines, 2015. Collection method: clinical testing. Allele origin: germline. Affected: yes. Not counted in ClinVar's aggregate classification.

Color Diagnostics, LLC DBA Color Health
Classification: Benign for Cardiomyopathy. Last evaluated: 2018-10-16. Review status: criteria provided, single submitter. Criteria: ACMG Guidelines, 2015. Collection method: clinical testing. Allele origin: germline. Not counted in ClinVar's aggregate classification.

Mayo Clinic Laboratories, Mayo Clinic
Classification: Benign. Last evaluated: 2018-07-05. Review status: criteria provided, single submitter. Criteria: ACMG Guidelines, 2015. Collection method: clinical testing. Allele origin: germline. Observed: 8 variant alleles. Not counted in ClinVar's aggregate classification.

Athena Diagnostics
Classification: Benign. Last evaluated: 2018-01-26. Review status: criteria provided, single submitter. Criteria: Athena Diagnostics Criteria. Collection method: clinical testing. Allele origin: germline. Not counted in ClinVar's aggregate classification.

GeneDx
Classification: Benign. Last evaluated: 2015-03-03. Review status: criteria provided, single submitter. Criteria: GeneDx Variant Classification Process June 2021. Collection method: clinical testing. Allele origin: germline. Affected: yes. Not counted in ClinVar's aggregate classification.

Eurofins Ntd Llc (ga)
Classification: Benign. Last evaluated: 2015-01-23. Review status: criteria provided, single submitter. Criteria: EGL Classification Definitions 2015. Collection method: clinical testing. Allele origin: germline. Observed: 1 variant allele, 1 heterozygote. Not counted in ClinVar's aggregate classification.

Laboratory for Molecular Medicine, Mass General Brigham Personalized Medicine
Classification: Benign. Last evaluated: 2012-03-02. Review status: criteria provided, single submitter. Criteria: LMM Criteria. Collection method: clinical testing. Allele origin: germline. Observed: 13 variant alleles. Not counted in ClinVar's aggregate classification.
Comment: Ser1586Ser in exon 34 of MYH7: This variant is not expected to have clinical sig nificance because it has been identified in 0.7% (27/3738) of African American c hromosomes from a broad population by the NHLBI Exome Sequencing Project (dbSNP rs146858930).

PreventionGenetics, part of Exact Sciences
Classification: Benign. Review status: criteria provided, single submitter. Criteria: ACMG Guidelines, 2015. Collection method: clinical testing. Allele origin: germline. Not counted in ClinVar's aggregate classification.

Clinical Genetics DNA and cytogenetics Diagnostics Lab, Erasmus MC, Erasmus Medical Center
Classification: Likely benign. Review status: no assertion criteria provided. Collection method: clinical testing. Allele origin: germline. Affected: yes. Study: VKGL Data-share Consensus. Not counted in ClinVar's aggregate classification.

Clinical Genetics, Academic Medical Center
Classification: Benign. Review status: no assertion criteria provided. Collection method: clinical testing. Allele origin: germline. Affected: yes. Study: VKGL Data-share Consensus. Not counted in ClinVar's aggregate classification.

Diagnostic Laboratory, Department of Genetics, University Medical Center Groningen
Classification: Likely benign. Review status: no assertion criteria provided. Collection method: clinical testing. Allele origin: germline. Affected: yes. Study: VKGL Data-share Consensus. Not counted in ClinVar's aggregate classification.

Genome Diagnostics Laboratory, University Medical Center Utrecht
Classification: Likely benign. Review status: no assertion criteria provided. Collection method: clinical testing. Allele origin: germline. Affected: yes. Study: VKGL Data-share Consensus. Not counted in ClinVar's aggregate classification.

Joint Genome Diagnostic Labs from Nijmegen and Maastricht, Radboudumc and MUMC+
Classification: Likely benign. Review status: no assertion criteria provided. Collection method: clinical testing. Allele origin: germline. Affected: yes. Study: VKGL Data-share Consensus. Not counted in ClinVar's aggregate classification.

Laboratory of Diagnostic Genome Analysis, Leiden University Medical Center (LUMC)
Classification: Likely benign. Review status: no assertion criteria provided. Collection method: clinical testing. Allele origin: germline. Affected: yes. Study: VKGL Data-share Consensus. Not counted in ClinVar's aggregate classification.

Literature cited by the submitters: PubMed 29300372 (cited by ClinGen Cardiomyopathy Variant Curation Expert Panel); PubMed 27841901 (cited by Athena Diagnostics).